The following is an entry in ClinVar:

NM_025257.3(SLC44A4):c.1367G>T (p.Trp456Leu)

Gene: SLC44A4 (solute carrier family 44 member 4; minus strand). Cytogenetic location: 6p21.33.
Variant type: single nucleotide variant.
Coding change: c.1367G>T on transcript NM_025257.3 (MANE Select); coding-DNA position 1367, G replaced by T.
Protein change: p.Trp456Leu; replaces tryptophan 456 with leucine.
Molecular consequence: missense variant.
Genome position (GRCh38, 1-based): chr6:31,865,993, C>A on the plus strand (G>T on the coding strand, the complement: SLC44A4 is on the minus strand). VCF-style: chr6-31865993-C-A. GRCh37 (hg19) VCF-style: chr6-31833770-C-A.
Other names: c.1241G>T, p.Trp414Leu (NM_001178044.2); c.1139G>T, p.Trp380Leu (NM_001178045.2); short protein forms W380L, W414L, W456L.
Identifiers: ClinVar variation 4723204 (VCV004723204.1).

ClinVar aggregate classification (germline): Uncertain significance (1 of 4 stars; one submission).

Submission:

Labcorp Genetics (formerly Invitae), Labcorp
Classification: Uncertain significance. Last evaluated: 2025-06-23. Review status: criteria provided, single submitter. Criteria: Invitae Variant Classification Sherloc (09022015). Collection method: clinical testing. Allele origin: germline.
Comment: This sequence change replaces tryptophan, which is neutral and slightly polar, with leucine, which is neutral and non-polar, at codon 456 of the SLC44A4 protein (p.Trp456Leu). This variant is not present in population databases (gnomAD no frequency). This variant has not been reported in the literature in individuals affected with SLC44A4-related conditions. Invitae Evidence Modeling of protein sequence and biophysical properties (such as structural, functional, and spatial information, amino acid conservation, physicochemical variation, residue mobility, and thermodynamic stability) indicates that this missense variant is not expected to disrupt SLC44A4 protein function with a negative predictive value of 80%. In summary, the available evidence is currently insufficient to determine the role of this variant in disease. Therefore, it has been classified as a Variant of Uncertain Significance.